The following is an entry in ClinVar:

NM_020774.4(MIB1):c.40G>A (p.Val14Ile)

Gene: MIB1 (MIB E3 ubiquitin protein ligase 1; plus strand). Cytogenetic location: 18q11.2.
Variant type: single nucleotide variant.
Coding change: c.40G>A on transcript NM_020774.4 (MANE Select); coding-DNA position 40, G replaced by A.
Protein change: p.Val14Ile; replaces valine 14 with isoleucine.
Molecular consequence: missense variant.
Genome position (GRCh38, 1-based): chr18:21,741,623, G>A. VCF-style: chr18-21741623-G-A. GRCh37 (hg19) VCF-style: chr18-19321584-G-A.
Other names: short protein forms V14I.
Identifiers: ClinVar variation 1737839 (VCV001737839.2), dbSNP rs2040852964, ClinGen allele CA401752626.
Genomic context (GRCh38, chr18:21,741,623, plus strand): 5'-GAGCCCACCGCCCGGGCCCCGATGAGTAACTCCCGGAATAACCGGGTGATGGTGGAAGGG[G>A]TTGGCGCTCGGGTAGTGCGCGGCCCGGACTGGAAGTGGGGGAAGCAGGACGGCGGCGAGG-3'
Protein context (NP_065825.1, residues 4-24): SRNNRVMVEG[Val14Ile]GARVVRGPDW

ClinVar aggregate classification (germline): Uncertain significance (1 of 4 stars; one submission).

Conditions:
Inborn genetic diseases. Identifiers: MedGen C0950123, MeSH D030342.

Submission:

Ambry Genetics
Classification: Uncertain significance for Inborn genetic diseases. Last evaluated: 2022-08-24. Review status: criteria provided, single submitter. Criteria: Ambry Variant Classification Scheme 2023. Collection method: clinical testing. Allele origin: germline.
Comment: The p.V14I variant (also known as c.40G>A), located in coding exon 1 of the MIB1 gene, results from a G to A substitution at nucleotide position 40. The valine at codon 14 is replaced by isoleucine, an amino acid with highly similar properties. This amino acid position is conserved. In addition, this alteration is predicted to be tolerated by in silico analysis. Since supporting evidence is limited at this time, the clinical significance of this alteration remains unclear.